The following is an entry in ClinVar:

ClinVar aggregate classification (germline): Uncertain significance. Review status: criteria provided, multiple submitters, no conflicts (2 of 4 stars). 3 submissions from 3 submitters: Uncertain significance (3). Last evaluated 2024-03-06.

Conditions:
Global developmental delay - lung cysts - overgrowth - Wilms tumor syndrome. Also called: GLOW Syndrome; GLOBAL DEVELOPMENTAL DELAY, LUNG CYSTS, OVERGROWTH, AND WILMS TUMOR. Identifiers: Orphanet 404476, MedGen C4748924, MONDO:0018445, OMIM 618272.
DICER1-related tumor predisposition. Also called: DICER1-related pleuropulmonary blastoma cancer predisposition syndrome; DICER1 syndrome. Identifiers: Orphanet 284343, MedGen C3839822, MONDO:0100216.

gnomAD v4.1: 1 of 1,614,014 alleles (0.000062%); highest among the groups gnomAD compares: Admixed American, 0.0017%; no homozygotes.

Submissions (3):

Labcorp Genetics (formerly Invitae), Labcorp
Classification: Uncertain significance for DICER1-related tumor predisposition. Last evaluated: 2024-03-06. Review status: criteria provided, single submitter. Criteria: Invitae Variant Classification Sherloc (09022015). Collection method: clinical testing. Allele origin: germline.
Comment: This sequence change replaces threonine, which is neutral and polar, with arginine, which is basic and polar, at codon 43 of the DICER1 protein (p.Thr43Arg). This variant is not present in population databases (gnomAD no frequency). This variant has not been reported in the literature in individuals affected with DICER1-related conditions. ClinVar contains an entry for this variant (Variation ID: 432356). Advanced modeling of protein sequence and biophysical properties (such as structural, functional, and spatial information, amino acid conservation, physicochemical variation, residue mobility, and thermodynamic stability) has been performed at Invitae for this missense variant, however the output from this modeling did not meet the statistical confidence thresholds required to predict the impact of this variant on DICER1 protein function. In summary, the available evidence is currently insufficient to determine the role of this variant in disease. Therefore, it has been classified as a Variant of Uncertain Significance.

Baylor Genetics
Classification: Uncertain significance for Global developmental delay - lung cysts - overgrowth - Wilms tumor syndrome. Last evaluated: 2023-05-23. Review status: criteria provided, single submitter. Criteria: ACMG Guidelines, 2015. Collection method: clinical testing. Allele origin: unknown.

GeneDx
Classification: Uncertain significance. Last evaluated: 2017-05-31. Review status: criteria provided, single submitter. Criteria: GeneDx Variant Classification (06012015). Collection method: clinical testing. Allele origin: germline. Affected: yes.
Comment: The T43R variant in the DICER1 gene has not, to our knowledge, been published in the literature as pathogenic or benign. This variant was not observed in large population cohorts (NHLBI Exome Sequencing Project, The 1000 Genomes Consortium 2015, Lek et al., 2016). Since Threonine and Arginine differ in some properties, this is considered a semi-conservative amino acid substitution. This substitution occurs at a position that is conserved across species and in silico analyses predict that this variant is probably damaging to protein structure and function. Based on currently available evidence, we consider T43R to be a variant of uncertain significance.

NM_177438.3(DICER1):c.128C>G (p.Thr43Arg)

Gene: DICER1 (dicer 1, ribonuclease III; minus strand). Cytogenetic location: 14q32.13.
Variant type: single nucleotide variant.
Coding change: c.128C>G on transcript NM_177438.3 (MANE Select); coding-DNA position 128, C replaced by G.
Protein change: p.Thr43Arg; replaces threonine 43 with arginine.
Molecular consequence: missense variant.
Genome position (GRCh38, 1-based): chr14:95,133,331, G>C on the plus strand (C>G on the coding strand, the complement: DICER1 is on the minus strand). VCF-style: chr14-95133331-G-C. GRCh37 (hg19) VCF-style: chr14-95599668-G-C.
Other names: c.128C>G, p.Thr43Arg (NM_001195573.1, NM_001271282.3, NM_001291628.2 and 1 more transcripts); short protein forms T43R.
Identifiers: ClinVar variation 432356 (VCV000432356.8), dbSNP rs367797765, ClinGen allele CA390890395.
Genomic context (GRCh38, chr14:95,133,331, plus strand): 5'-CATTTTAGTGTAGAATGCTCCAGTATTAGTGTTCGCATTAGTACCTGATATTTTCTTGGC[G>C]TATAAATGTTATCATGAATTGCTTCTTGTTGCCATGGCAGTCCAAAGAAAGGACCCATTG-3'
Protein context (NP_803187.1, residues 33-53): QQEAIHDNIY[Thr43Arg]PRKYQVELLE